The following is an entry in ClinVar:

ClinVar aggregate classification (germline): Uncertain significance (1 of 4 stars; one submission).

gnomAD v4.1: 1 of 1,614,160 alleles (0.000062%); highest among the groups gnomAD compares: Non-Finnish European, 0.000085%; no homozygotes.

Submission:

CeGaT Center for Human Genetics Tuebingen
Classification: Uncertain significance. Last evaluated: 2024-04-01. Review status: criteria provided, single submitter. Criteria: CeGaT Center For Human Genetics Tuebingen Variant Classification Criteria Version 2. Collection method: clinical testing. Allele origin: germline. Affected: yes. Observed: 1 variant allele.
Comment: APP: PM2

NM_000484.4(APP):c.1479G>C (p.Met493Ile)

Genes: APP (amyloid beta precursor protein; minus strand), LOC126653330 (CDK7 strongly-dependent group 2 enhancer GRCh37_chr21:27326978-27328177; plus strand). Cytogenetic location: 21q21.3.
Variant type: single nucleotide variant.
Coding change: c.1479G>C on transcript NM_000484.4 (MANE Select); coding-DNA position 1479, G replaced by C.
Protein change: p.Met493Ile; replaces methionine 493 with isoleucine.
Molecular consequence: missense variant.
Genome position (GRCh38, 1-based): chr21:25,955,735, C>G on the plus strand (G>C on the coding strand, the complement: APP is on the minus strand). VCF-style: chr21-25955735-C-G. GRCh37 (hg19) VCF-style: chr21-27328049-C-G.
Other names: c.1407G>C, p.Met469Ile (NM_001136016.3); c.1086G>C, p.Met362Ile (NM_001136129.3); c.1311G>C, p.Met437Ile (NM_001136130.3, NM_001385253.1); c.1149G>C, p.Met383Ile (NM_001136131.3); c.1479G>C, p.Met493Ile (NM_001204301.2); c.1422G>C, p.Met474Ile (NM_001204302.2, NM_201413.3); c.1254G>C, p.Met418Ile (NM_001204303.2, NM_201414.3); short protein forms M362I, M383I, M418I, M437I, M469I, M474I, M493I.
Identifiers: ClinVar variation 3234597 (VCV003234597.20), dbSNP rs2517293850, ClinGen allele CA409810413.